The following is an entry in ClinVar:

ClinVar aggregate classification (germline): Benign/Likely benign. Review status: criteria provided, multiple submitters, no conflicts (2 of 4 stars). 2 submissions from 2 submitters: Benign (1); Likely benign (1). Last evaluated 2026-01-14.

Conditions:
Autosomal dominant pseudohypoaldosteronism type 1. Also called: Pseudohypoaldosteronism, Type I, Autosomal Dominant; PHA I, AUTOSOMAL DOMINANT; Pseudohypoaldosteronism, Type I, Dominant. Identifiers: Orphanet 171871, Orphanet 756, MedGen C1449842, MONDO:0008329, OMIM 177735.

Allele frequency attached by ClinVar (database versions not stated): TOPMed 0.00012; gnomAD 0.00014 and 0.00016; ESP Exome Variant Server 0.00015; gnomAD exomes 0.00025 and 0.00035; 1000 Genomes Project 30x 0.00031; ExAC 0.00038; 1000 Genomes Project 0.00040.
gnomAD v4.1: 393 of 1,614,102 alleles (0.024%); highest among the groups gnomAD compares: Middle Eastern, 0.21%; 3 homozygotes.

Submissions (2):

Labcorp Genetics (formerly Invitae), Labcorp
Classification: Likely benign. Last evaluated: 2026-01-14. Review status: criteria provided, single submitter. Criteria: Invitae Variant Classification Sherloc (09022015). Collection method: clinical testing. Allele origin: germline.

Illumina Laboratory Services, Illumina
Classification: Benign for Autosomal dominant pseudohypoaldosteronism type 1. Last evaluated: 2018-01-13. Review status: criteria provided, single submitter. Criteria: ICSL Variant Classification Criteria 13 December 2019. Collection method: clinical testing. Allele origin: germline.
Comment: This variant was observed in the ICSL laboratory as part of a predisposition screen in an ostensibly healthy population. It had not been previously curated by ICSL or reported in the Human Gene Mutation Database (HGMD: prior to June 1st, 2018), and was therefore a candidate for classification through an automated scoring system. Utilizing variant allele frequency, disease prevalence and penetrance estimates, and inheritance mode, an automated score was calculated to assess if this variant is too frequent to cause the disease. Based on the score and internal cut-off values, a variant classified as benign is not then subjected to further curation. The score for this variant resulted in a classification of benign for this disease.

NM_000901.5(NR3C2):c.103G>C (p.Glu35Gln)

Gene: NR3C2 (nuclear receptor subfamily 3 group C member 2; minus strand). Cytogenetic location: 4q31.23.
Variant type: single nucleotide variant.
Coding change: c.103G>C on transcript NM_000901.5 (MANE Select); coding-DNA position 103, G replaced by C.
Protein change: p.Glu35Gln; replaces glutamic acid 35 with glutamine.
Molecular consequence: missense variant. On other transcripts: non-coding transcript variant (1).
Genome position (GRCh38, 1-based): chr4:148,436,758, C>G on the plus strand (G>C on the coding strand, the complement: NR3C2 is on the minus strand). VCF-style: chr4-148436758-C-G. GRCh37 (hg19) VCF-style: chr4-149357910-C-G.
Other names: c.103G>C, p.Glu35Gln (NM_001166104.2, NM_001354819.1); short protein forms E35Q.
Identifiers: ClinVar variation 347738 (VCV000347738.9), dbSNP rs141860706, ClinGen allele CA3100512.